The following is an entry in ClinVar:

NM_018238.4(AGK):c.356dup (p.Ile120fs)

Gene: AGK (acylglycerol kinase; plus strand). Cytogenetic location: 7q34.
Variant type: Duplication.
Coding change: c.356dup on transcript NM_018238.4 (MANE Select); coding-DNA position 356, one base duplicated (T; older notation c.356dupT).
Protein change: p.Ile120fs; shifts the reading frame from isoleucine 120.
Molecular consequence: frameshift variant.
Genome position (GRCh38, 1-based): chr7:141,611,253, T duplicated. VCF-style (leftmost placement, unchanged base first): chr7-141611252-A-AT. GRCh37 (hg19) VCF-style: chr7-141311052-A-AT.
Other names: c.356dup, p.Ile120fs (NM_001364948.3); short protein forms I120fs.
Identifiers: ClinVar variation 2921399 (VCV002921399.3), dbSNP rs2485379262, ClinGen allele CA2740094883.
Genomic context (GRCh38, chr7:141,611,252, plus strand): 5'-CAGACAGATTATGAGGGACAAGCCAAGAAACTCCTGGAACTGATGGAAAACACGGATGTG[A>AT]TCATTGTTGCAGGAGGAGATGGGACACTGCAGGAGGTATGACTGTTTTTCTCTTTGAAGC-3'

ClinVar aggregate classification (germline): Pathogenic (1 of 4 stars; one submission).

Conditions:
Cataract 38. Also called: Cataract, autosomal recessive congenital 5; Cataract 38, autosomal recessive. Identifiers: Orphanet 91492, MedGen C3553494, MONDO:0013859, OMIM 614691.
Sengers syndrome. Also called: MITOCHONDRIAL DNA DEPLETION SYNDROME 10 (CARDIOMYOPATHIC TYPE); Cardiomyopathy and cataract. Identifiers: Orphanet 1369, MedGen C1859317, MONDO:0008922, OMIM 212350.

Submission:

Labcorp Genetics (formerly Invitae), Labcorp
Classification: Pathogenic for Sengers syndrome; Cataract 38. Last evaluated: 2024-03-22. Review status: criteria provided, single submitter. Criteria: Invitae Variant Classification Sherloc (09022015). Collection method: clinical testing. Allele origin: germline.
Comment: This sequence change creates a premature translational stop signal (p.Ile120Hisfs*22) in the AGK gene. It is expected to result in an absent or disrupted protein product. Loss-of-function variants in AGK are known to be pathogenic (PMID: 22284826). This variant is not present in population databases (gnomAD no frequency). This variant has not been reported in the literature in individuals affected with AGK-related conditions. For these reasons, this variant has been classified as Pathogenic.

Literature cited by the submitters: PubMed 22284826.